The following is an entry in ClinVar:

NM_194255.4(SLC19A1):c.598G>A (p.Ala200Thr)

Gene: SLC19A1 (solute carrier family 19 member 1; minus strand). Cytogenetic location: 21q22.3.
Variant type: single nucleotide variant.
Coding change: c.598G>A on transcript NM_194255.4 (MANE Select); coding-DNA position 598, G replaced by A.
Protein change: p.Ala200Thr; replaces alanine 200 with threonine.
Molecular consequence: missense variant.
Genome position (GRCh38, 1-based): chr21:45,531,740, C>T on the plus strand (G>A on the coding strand, the complement: SLC19A1 is on the minus strand). VCF-style: chr21-45531740-C-T. GRCh37 (hg19) VCF-style: chr21-46951654-C-T.
Other names: c.598G>A, p.Ala200Thr (NM_001205206.4, NM_001352511.3, NM_001352512.2); c.478G>A, p.Ala160Thr (NM_001205207.3); c.244G>A, p.Ala82Thr (NM_001352510.2); short protein forms A200T, A160T, A82T.
Identifiers: ClinVar variation 2713077 (VCV002713077.1), dbSNP rs750614412, ClinGen allele CA10068582.

ClinVar aggregate classification (germline): Uncertain significance (1 of 4 stars; one submission).

Allele frequency attached by ClinVar (database versions not stated): TOPMed below 0.00001; ExAC 0.00002.
gnomAD v4.1: 2 of 1,612,352 alleles (0.00012%); highest among the groups gnomAD compares: Non-Finnish European, 0.00017%; no homozygotes.

Submission:

Labcorp Genetics (formerly Invitae), Labcorp
Classification: Uncertain significance. Last evaluated: 2023-08-18. Review status: criteria provided, single submitter. Criteria: Invitae Variant Classification Sherloc (09022015). Collection method: clinical testing. Allele origin: germline.
Comment: In summary, the available evidence is currently insufficient to determine the role of this variant in disease. Therefore, it has been classified as a Variant of Uncertain Significance. Algorithms developed to predict the effect of missense changes on protein structure and function output the following: SIFT: "Not Available"; PolyPhen-2: "Benign"; Align-GVGD: "Not Available". The threonine amino acid residue is found in multiple mammalian species, which suggests that this missense change does not adversely affect protein function. This variant has not been reported in the literature in individuals affected with SLC19A1-related conditions. This variant is present in population databases (rs750614412, gnomAD 0.0009%). This sequence change replaces alanine, which is neutral and non-polar, with threonine, which is neutral and polar, at codon 200 of the SLC19A1 protein (p.Ala200Thr).